The following is an entry in ClinVar:

ClinVar aggregate classification (germline): Benign/Likely benign. Review status: criteria provided, multiple submitters, no conflicts (2 of 4 stars). 5 submissions from 5 submitters: Benign (1); Likely benign (4). Last evaluated 2026-01-20.

Conditions:
Bethlem myopathy 2 (BTHLM2). Identifiers: Orphanet 536516, Orphanet 610, MedGen C4225313, MONDO:0034022, OMIM 616471.
Ullrich congenital muscular dystrophy 2 (UCMD2). Identifiers: Orphanet 75840, MedGen C4225314, MONDO:0014654, OMIM 616470.

Allele frequency attached by ClinVar (database versions not stated): gnomAD exomes 0.00069; gnomAD 0.00266 and 0.00278; TOPMed 0.00345; ESP Exome Variant Server 0.00375; 1000 Genomes Project 0.00399; 1000 Genomes Project 30x 0.00437.
gnomAD v4.1: 790 of 1,613,344 alleles (0.049%); highest among the groups gnomAD compares: African/African-American, 0.93%; 5 homozygotes.

Submissions (5):

Labcorp Genetics (formerly Invitae), Labcorp
Classification: Benign for Bethlem myopathy 2; Ullrich congenital muscular dystrophy 2. Last evaluated: 2026-01-20. Review status: criteria provided, single submitter. Criteria: Invitae Variant Classification Sherloc (09022015). Collection method: clinical testing. Allele origin: germline.

Blueprint Genetics
Classification: Likely benign. Last evaluated: 2024-11-01. Review status: criteria provided, single submitter. Criteria: ACMG Guidelines, 2015. Collection method: clinical testing. Allele origin: germline.

CeGaT Center for Human Genetics Tuebingen
Classification: Likely benign. Last evaluated: 2024-10-01. Review status: criteria provided, single submitter. Criteria: CeGaT Center For Human Genetics Tuebingen Variant Classification Criteria Version 2. Collection method: clinical testing. Allele origin: germline. Affected: yes. Observed: 1 variant allele.
Comment: COL12A1: BP4, BP7

Fulgent Genetics
Classification: Likely benign for Ullrich congenital muscular dystrophy 2; Bethlem myopathy 2. Last evaluated: 2021-10-20. Review status: criteria provided, single submitter. Criteria: ACMG Guidelines, 2015. Collection method: clinical testing. Allele origin: unknown.

GeneDx
Classification: Likely benign. Last evaluated: 2020-12-07. Review status: criteria provided, single submitter. Criteria: GeneDx Variant Classification Process June 2021. Collection method: clinical testing. Allele origin: germline. Affected: yes.

NM_004370.6(COL12A1):c.4186C>A (p.Arg1396=)

Gene: COL12A1 (collagen type XII alpha 1 chain; minus strand). Cytogenetic location: 6q13.
Variant type: single nucleotide variant.
Coding change: c.4186C>A on transcript NM_004370.6 (MANE Select); coding-DNA position 4186, C replaced by A.
Protein change: p.Arg1396=; no amino-acid change (arginine 1396 retained).
Molecular consequence: synonymous variant.
Genome position (GRCh38, 1-based): chr6:75,148,459, G>T on the plus strand (C>A on the coding strand, the complement: COL12A1 is on the minus strand). VCF-style: chr6-75148459-G-T. GRCh37 (hg19) VCF-style: chr6-75858175-G-T.
Other names: c.694C>A, p.Arg232= (NM_080645.3).
Identifiers: ClinVar variation 475865 (VCV000475865.31), dbSNP rs115511838, ClinGen allele CA3893517.
Genomic context (GRCh38, chr6:75,148,459, plus strand): 5'-TATATCGATCCACACTGTCAGAAGGTGGTGTCCAGCTCACTCTAAAAGAACGATGGGTTC[G>T]CTCAGAAATAACTAAGTTAGAAGGTGCTTCCAAATCACCTACACATGGAAATAAAGGGTA-3'
Protein context (NP_004361.3, residues 1386-1406): EAPSNLVISE[Arg1396=]THRSFRVSWT